The following is an entry in ClinVar:

NM_016373.4(WWOX):c.701T>C (p.Leu234Pro)

Gene: WWOX (WW domain containing oxidoreductase; plus strand). Cytogenetic location: 16q23.1.
Variant type: single nucleotide variant.
Coding change: c.701T>C on transcript NM_016373.4 (MANE Select); coding-DNA position 701, T replaced by C.
Protein change: p.Leu234Pro; replaces leucine 234 with proline.
Molecular consequence: missense variant.
Genome position (GRCh38, 1-based): chr16:78,424,965, T>C. VCF-style: chr16-78424965-T-C. GRCh37 (hg19) VCF-style: chr16-78458862-T-C.
Other names: c.362T>C, p.Leu121Pro (NM_001291997.2); short protein forms L121P, L234P.
Identifiers: ClinVar variation 3758347 (VCV003758347.1).

ClinVar aggregate classification (germline): Uncertain significance (1 of 4 stars; one submission).

Conditions:
Autosomal recessive spinocerebellar ataxia 12. Also called: SPINOCEREBELLAR ATAXIA WITH MENTAL RETARDATION AND EPILEPSY. Identifiers: Orphanet 284282, MedGen C3280452, MONDO:0013687, OMIM 614322.
Developmental and epileptic encephalopathy, 1 (DEE1). Also called: INFANTILE SPASM SYNDROME, X-LINKED 1; X-linked infantile spasms; West's syndrome; Tonic spasms with clustering, arrest of psychomotor development and hypsarrhythmia on EEG; X-Linked Infantile Spasm Syndrome; OHTAHARA SYNDROME, X-LINKED. Identifiers: MedGen C3463992, MONDO:0010632, OMIM 308350. Disease mechanism: loss of function.

gnomAD v4.1: 10 of 1,614,168 alleles (0.00062%); highest among the groups gnomAD compares: Non-Finnish European, 0.00085%; no homozygotes.

Submission:

Labcorp Genetics (formerly Invitae), Labcorp
Classification: Uncertain significance for Developmental and epileptic encephalopathy, 1; Autosomal recessive spinocerebellar ataxia 12. Last evaluated: 2025-01-19. Review status: criteria provided, single submitter. Criteria: Invitae Variant Classification Sherloc (09022015). Collection method: clinical testing. Allele origin: germline.
Comment: This sequence change replaces leucine, which is neutral and non-polar, with proline, which is neutral and non-polar, at codon 234 of the WWOX protein (p.Leu234Pro). This variant is not present in population databases (gnomAD no frequency). This variant has not been reported in the literature in individuals affected with WWOX-related conditions. Invitae Evidence Modeling of protein sequence and biophysical properties (such as structural, functional, and spatial information, amino acid conservation, physicochemical variation, residue mobility, and thermodynamic stability) indicates that this missense variant is expected to disrupt WWOX protein function with a positive predictive value of 80%. In summary, the available evidence is currently insufficient to determine the role of this variant in disease. Therefore, it has been classified as a Variant of Uncertain Significance.